The following is an entry in ClinVar:

ClinVar aggregate classification (germline): Uncertain significance. Review status: criteria provided, multiple submitters, no conflicts (2 of 4 stars). 5 submissions from 5 submitters: Uncertain significance (5). Last evaluated 2026-09-02.

Conditions:
FOXI1-related disorder. Also called: FOXI1-related condition.
Autosomal recessive nonsyndromic hearing loss 4 (DFNB4). Also called: Deafness, autosomal recessive 4, with enlarged vestibular aqueduct; DEAFNESS, AUTOSOMAL RECESSIVE 4, WITH ENLARGED VESTIBULAR AQUEDUCT, DIGENIC; Deafness, autosomal recessive 4; Enlarged vestibular aqueduct, digenic; Nonsyndromic enlarged vestibular aqueduct (NSEVA); FOXI1-Related Pendred Syndrome. Identifiers: Orphanet 90636, MedGen C3538946, MONDO:0010933, OMIM 600791.
Pendred syndrome (PDS). Also called: HYPOTHYROIDISM, CONGENITAL, DUE TO DYSHORMONOGENESIS, 2B; THYROID DYSHORMONOGENESIS 2B; THYROID HORMONOGENESIS, GENETIC DEFECT IN, 2B; Pendred's syndrome; DEAFNESS WITH GOITER; GOITER-DEAFNESS SYNDROME. Identifiers: Orphanet 705, MedGen C0271829, MONDO:0010134, OMIM 274600.

Allele frequency attached by ClinVar (database versions not stated): gnomAD exomes 0.00001 and 0.00004; gnomAD 0.00002; ExAC 0.00003; TOPMed 0.00003.
gnomAD v4.1: 28 of 1,611,818 alleles (0.0017%); highest among the groups gnomAD compares: East Asian, 0.04%; no homozygotes.

Submissions (5):

PreventionGenetics, part of Exact Sciences
Classification: Uncertain significance for FOXI1-related condition. Last evaluated: 2026-09-02. Review status: criteria provided, single submitter. Criteria: ACMG Guidelines, 2015. Collection method: clinical testing. Allele origin: germline.
Comment: The FOXI1 c.937G>C variant is predicted to result in the amino acid substitution p.Gly313Arg. To our knowledge, this variant has not been reported in the literature. This variant is reported in 0.055% of alleles in individuals of East Asian descent in gnomAD. Although we suspect that this variant may be benign, at this time, the clinical significance of this variant is uncertain due to the absence of conclusive functional and genetic evidence.

Ambry Genetics
Classification: Uncertain significance. Last evaluated: 2023-03-07. Review status: criteria provided, single submitter. Criteria: Ambry Variant Classification Scheme 2023. Collection method: clinical testing. Allele origin: germline.

Blueprint Genetics
Classification: Uncertain significance. Last evaluated: 2022-12-16. Review status: criteria provided, single submitter. Criteria: ACMG Guidelines, 2015. Collection method: clinical testing. Allele origin: germline.

Fulgent Genetics
Classification: Uncertain significance for Pendred syndrome; Autosomal recessive nonsyndromic hearing loss 4. Last evaluated: 2022-05-31. Review status: criteria provided, single submitter. Criteria: ACMG Guidelines, 2015. Collection method: clinical testing. Allele origin: unknown.

Illumina Laboratory Services, Illumina
Classification: Uncertain significance for Autosomal recessive nonsyndromic hearing loss 4. Last evaluated: 2018-01-12. Review status: criteria provided, single submitter. Criteria: ICSL Variant Classification Criteria 13 December 2019. Collection method: clinical testing. Allele origin: germline.

NM_012188.5(FOXI1):c.937G>C (p.Gly313Arg)

Gene: FOXI1 (forkhead box I1; plus strand). Cytogenetic location: 5q35.1.
Variant type: single nucleotide variant.
Coding change: c.937G>C on transcript NM_012188.5 (MANE Select); coding-DNA position 937, G replaced by C.
Protein change: p.Gly313Arg; replaces glycine 313 with arginine.
Molecular consequence: missense variant.
Genome position (GRCh38, 1-based): chr5:170,108,411, G>C. VCF-style: chr5-170108411-G-C. GRCh37 (hg19) VCF-style: chr5-169535415-G-C.
Other names: c.652G>C, p.Gly218Arg (NM_144769.4); short protein forms G218R, G313R.
Identifiers: ClinVar variation 905931 (VCV000905931.9), dbSNP rs755810719, ClinGen allele CA3555141.